The following is an entry in ClinVar:

ClinVar aggregate classification (germline): Conflicting classifications of pathogenicity. Review status: criteria provided, conflicting classifications (1 of 4 stars). 14 submissions from 12 submitters: Uncertain significance (4); Benign (1); Likely benign (5). 4 of the submissions do not count toward it. Last evaluated 2026-07-01.

Conditions:
ALS2-related disorder. Also called: ALS2-related condition; ALS2-related disorders; ALS2-Related Spectrum Disorders. Identifiers: MedGen CN169291.
Tip-toe gait. Also called: Toe walking. Identifiers: MedGen C0427144, HP:0030051.
Peripheral axonal neuropathy. Also called: Axonal neuropathy. Identifiers: MedGen C1263857, MONDO:0004183, HP:0003477.
Hereditary spastic paraplegia. Also called: Familial spastic paraparesis. Identifiers: Orphanet 685, MedGen C0037773, MONDO:0019064. Disease mechanism: loss of function.
Amyotrophic lateral sclerosis type 2, juvenile. Also called: Amyotrophic lateral sclerosis type 2; ALS, JUVENILE. Identifiers: Orphanet 300605, MedGen C1859807, MONDO:0008780, OMIM 205100.
Infantile-onset ascending hereditary spastic paralysis (IAHSP). Also called: Autosomal Recessive Juvenile Amyotrophic Lateral Sclerosis; Infantile-Onset Ascending Hereditary Spastic Paralysis (IAHSP). Identifiers: Orphanet 293168, MedGen C2931441, MONDO:0011797, OMIM 607225. Disease mechanism: loss of function.

Allele frequency attached by ClinVar (database versions not stated): ESP Exome Variant Server 0.00017; TOPMed 0.00027; gnomAD exomes 0.00037 and 0.00049; gnomAD 0.00056 and 0.00061; ExAC 0.00058.
gnomAD v4.1: 635 of 1,613,640 alleles (0.039%); highest among the groups gnomAD compares: Non-Finnish European, 0.046%; 2 homozygotes.

Submissions (14):

CeGaT Center for Human Genetics Tuebingen
Classification: Likely benign. Last evaluated: 2026-07-01. Review status: criteria provided, single submitter. Criteria: CeGaT Center For Human Genetics Tuebingen Variant Classification Criteria Version 2. Collection method: clinical testing. Allele origin: germline. Affected: yes. Observed: 3 variant alleles.
Comment: ALS2: BP4

Labcorp Genetics (formerly Invitae), Labcorp
Classification: Likely benign for Infantile-onset ascending hereditary spastic paralysis. Last evaluated: 2026-01-17. Review status: criteria provided, single submitter. Criteria: Invitae Variant Classification Sherloc (09022015). Collection method: clinical testing. Allele origin: germline.

Laboratory of Genetics, Children's Clinical University Hospital Latvia
Classification: Likely benign. Last evaluated: 2025-02-16. Review status: criteria provided, single submitter. Criteria: ACMG Guidelines, 2015. Collection method: clinical testing. Allele origin: germline. Affected: yes.

Mayo Clinic Laboratories, Mayo Clinic
Classification: Likely benign. Last evaluated: 2025-02-11. Review status: criteria provided, single submitter. Criteria: ACMG Guidelines, 2015. Collection method: clinical testing. Allele origin: germline. Observed: 1 variant allele.
Comment: BS1, BP4_moderate

PreventionGenetics, part of Exact Sciences
Classification: Likely benign for ALS2-related condition. Last evaluated: 2024-10-06. Review status: criteria provided, single submitter. Criteria: ACMG Guidelines, 2015. Collection method: clinical testing. Allele origin: germline.
Comment: This variant is classified as likely benign based on ACMG/AMP sequence variant interpretation guidelines (Richards et al. 2015 PMID: 25741868, with internal and published modifications).

Practice for Gait Abnormalities, David Pomarino, Competency Network Toe Walking C/o Practice Pomarino
Classification: Uncertain significance for Tip-toe gait. Last evaluated: 2021-02-02. Review status: criteria provided, single submitter. Criteria: ACMG Guidelines, 2015. Collection method: clinical testing. Allele origin: unknown. Affected: yes.
Comment: Gait disorder

Athena Diagnostics
Classification: Benign. Last evaluated: 2019-12-23. Review status: criteria provided, single submitter. Criteria: Athena Diagnostics Criteria. Collection method: clinical testing. Allele origin: unknown.

Illumina Laboratory Services, Illumina
Classification: Uncertain significance for Amyotrophic lateral sclerosis type 2. Last evaluated: 2018-01-13. Review status: criteria provided, single submitter. Criteria: ICSL Variant Classification Criteria 13 December 2019. Collection method: clinical testing. Allele origin: germline.

Illumina Laboratory Services, Illumina
Classification: Uncertain significance for ALS2-Related Disorders. Last evaluated: 2018-01-13. Review status: criteria provided, single submitter. Criteria: ICSL Variant Classification Criteria 13 December 2019. Collection method: clinical testing. Allele origin: germline.

Genome Diagnostics Laboratory, The Hospital for Sick Children
Classification: Uncertain significance for Hereditary spastic paraplegia. Last evaluated: 2018-01-01. Review status: criteria provided, single submitter. Criteria: ACMG Guidelines, 2015. Collection method: clinical testing. Allele origin: germline. Affected: yes.

Clinical Genetics DNA and cytogenetics Diagnostics Lab, Erasmus MC, Erasmus Medical Center
Classification: Likely benign. Review status: no assertion criteria provided. Collection method: clinical testing. Allele origin: germline. Affected: yes. Study: VKGL Data-share Consensus. Not counted in ClinVar's aggregate classification.

Genome Diagnostics Laboratory, Amsterdam University Medical Center
Classification: Likely benign. Review status: no assertion criteria provided. Collection method: clinical testing. Allele origin: germline. Affected: yes. Study: VKGL Data-share Consensus. Not counted in ClinVar's aggregate classification.

Centre for Mendelian Genomics, University Medical Centre Ljubljana
Classification: Likely pathogenic for Amyotrophic lateral sclerosis type 2, juvenile. Last evaluated: 2016-01-01. Review status: flagged submission. Criteria: ACMG Guidelines, 2015. Collection method: clinical testing. Allele origin: unknown. Affected: yes. Not counted in ClinVar's aggregate classification.
Comment: This variant was classified as: Likely pathogenic.
ClinVar note: Reason: Outlier claim with insufficient supporting evidence

Centre for Mendelian Genomics, University Medical Centre Ljubljana
Classification: Likely pathogenic for Neuropathy, axonal. Last evaluated: 2015-03-12. Review status: flagged submission. Criteria: ACMG Guidelines, 2015. Collection method: clinical testing. Allele origin: unknown. Affected: yes. Not counted in ClinVar's aggregate classification.
ClinVar note: Reason: Outlier claim with insufficient supporting evidence

Literature cited by the submitters: PubMed 35896380 (cited by Mayo Clinic Laboratories, Mayo Clinic); PubMed 37091313 (cited by Practice for Gait Abnormalities, David Pomarino, Competency Network Toe Walking C/o Practice Pomarino).

NM_020919.4(ALS2):c.2479A>T (p.Thr827Ser)

Gene: ALS2 (alsin Rho guanine nucleotide exchange factor ALS2; minus strand). Cytogenetic location: 2q33.1.
Variant type: single nucleotide variant.
Coding change: c.2479A>T on transcript NM_020919.4 (MANE Select); coding-DNA position 2479, A replaced by T.
Protein change: p.Thr827Ser; replaces threonine 827 with serine.
Molecular consequence: missense variant.
Genome position (GRCh38, 1-based): chr2:201,733,377, T>A on the plus strand (A>T on the coding strand, the complement: ALS2 is on the minus strand). VCF-style: chr2-201733377-T-A. GRCh37 (hg19) VCF-style: chr2-202598100-T-A.
Other names: p.Thr827Ser; short protein forms T827S.
Identifiers: ClinVar variation 333595 (VCV000333595.38), dbSNP rs202219507, ClinGen allele CA2058171.
Genomic context (GRCh38, chr2:201,733,377, plus strand): 5'-AATTATGAAGTCGTCTGATTGGCAAGAAAAACAAAGTATTCAGTATTTCCATCAACTGAG[T>A]GTTTTCGTCATTCACTTCTGACAAATCTTGCAACAGCTCTTGGTTTTTATTTAGGAAATC-3'
Protein context (NP_065970.2, residues 817-837): QDLSEVNDEN[Thr827Ser]QLMEILNTLF